The following is an entry in ClinVar:

NM_000352.6(ABCC8):c.3638T>C (p.Ile1213Thr)

Gene: ABCC8 (ATP binding cassette subfamily C member 8; minus strand). Cytogenetic location: 11p15.1.
Variant type: single nucleotide variant.
Coding change: c.3638T>C on transcript NM_000352.6 (MANE Select); coding-DNA position 3638, T replaced by C.
Protein change: p.Ile1213Thr; replaces isoleucine 1213 with threonine.
Molecular consequence: missense variant. On other transcripts: non-coding transcript variant (1).
Genome position (GRCh38, 1-based): chr11:17,402,673, A>G on the plus strand (T>C on the coding strand, the complement: ABCC8 is on the minus strand). VCF-style: chr11-17402673-A-G. GRCh37 (hg19) VCF-style: chr11-17424220-A-G.
Other names: c.3641T>C, p.Ile1214Thr (NM_001287174.3); c.3704T>C, p.Ile1235Thr (NM_001351295.2); c.3638T>C, p.Ile1213Thr (NM_001351296.2); c.3635T>C, p.Ile1212Thr (NM_001351297.2); short protein forms I1212T, I1213T, I1214T, I1235T.
Identifiers: ClinVar variation 3769094 (VCV003769094.4).

ClinVar aggregate classification (germline): Uncertain significance. Review status: criteria provided, multiple submitters, no conflicts (2 of 4 stars). 2 submissions from 2 submitters: Uncertain significance (2). Last evaluated 2025-02-24.

Submissions (2):

Dasa
Classification: Uncertain significance. Last evaluated: 2025-02-24. Review status: criteria provided, single submitter. Criteria: DASA Assertion Criteria. Collection method: clinical testing. Allele origin: germline.
Comment: NM_000352.6(ABCC8):c.3638T>C (p.Ile1213Thr) is a missense variant that results in the substitution of isoleucine with threonine. This variant is absent from population databases. Computational prediction algorithms are consistent with a deleterious effect. The currently available literature and clinical evidence are not sufficient to establish a definitive association between this variant and the reported condition. Therefore, this variant is classified as a variant of uncertain significance.

Women's Health and Genetics/Laboratory Corporation of America, LabCorp
Classification: Uncertain significance. Last evaluated: 2025-01-15. Review status: criteria provided, single submitter. Criteria: LabCorp Variant Classification Summary - May 2015. Collection method: clinical testing. Allele origin: germline.
Comment: Variant summary: ABCC8 c.3638T>C (p.Ile1213Thr) results in a non-conservative amino acid change located in the ABC transporter type 1, transmembrane domain of the encoded protein sequence. Five of five in-silico tools predict a damaging effect of the variant on protein function. The variant was absent in 251486 control chromosomes. The available data on variant occurrences in the general population are insufficient to allow any conclusion about variant significance. To our knowledge, no occurrence of c.3638T>C in individuals affected with Familial Hyperinsulinism and no experimental evidence demonstrating its impact on protein function have been reported. No submitters have cited clinical-significance assessments for this variant to ClinVar. Based on the evidence outlined above, the variant was classified as uncertain significance.